The following is an entry in ClinVar:

ClinVar aggregate classification (germline): Likely benign (1 of 4 stars; one submission).

gnomAD v4.1: 11,786 of 1,614,178 alleles (0.73%); highest among the groups gnomAD compares: Non-Finnish European, 0.91%; 54 homozygotes.

Submission:

CeGaT Center for Human Genetics Tuebingen
Classification: Likely benign. Last evaluated: 2024-10-01. Review status: criteria provided, single submitter. Criteria: CeGaT Center For Human Genetics Tuebingen Variant Classification Criteria Version 2. Collection method: clinical testing. Allele origin: germline. Affected: yes. Observed: 1 variant allele.
Comment: ISLR2: BP4, BP7, BS2

NM_020851.3(ISLR2):c.1830C>T (p.Gly610=)

Gene: ISLR2 (immunoglobulin superfamily containing leucine rich repeat 2; plus strand). Cytogenetic location: 15q24.1.
Variant type: single nucleotide variant.
Coding change: c.1830C>T on transcript NM_020851.3 (MANE Select); coding-DNA position 1830, C replaced by T.
Protein change: p.Gly610=; no amino-acid change (glycine 610 retained).
Molecular consequence: synonymous variant.
Genome position (GRCh38, 1-based): chr15:74,134,584, C>T. VCF-style: chr15-74134584-C-T. GRCh37 (hg19) VCF-style: chr15-74426925-C-T.
Other names: c.1830C>T, p.Gly610= (NM_001130136.1, NM_001130137.1, NM_001130138.2).
Identifiers: ClinVar variation 3388018 (VCV003388018.14).